The following is an entry in ClinVar:

ClinVar aggregate classification (germline): Likely benign (1 of 4 stars; one submission).

Allele frequency attached by ClinVar (database versions not stated): 1000 Genomes Project 0.00040; gnomAD exomes 0.00049; gnomAD 0.00113; 1000 Genomes Project 30x 0.00141.
gnomAD v4.1: 623 of 959,870 alleles (0.065%); highest among the groups gnomAD compares: South Asian, 0.36%; 6 homozygotes.

Submission:

CeGaT Center for Human Genetics Tuebingen
Classification: Likely benign. Last evaluated: 2025-12-01. Review status: criteria provided, single submitter. Criteria: CeGaT Center For Human Genetics Tuebingen Variant Classification Criteria Version 2. Collection method: clinical testing. Allele origin: germline. Affected: yes. Observed: 4 variant alleles.
Comment: HLCS: BP4, BP7

NM_001352514.2(HLCS):c.165C>A (p.Gly55=)

Genes: HLCS (holocarboxylase synthetase; minus strand), HLCS-AS1 (HLCS antisense RNA 1; plus strand). Cytogenetic location: 21q22.13.
Variant type: single nucleotide variant.
Coding change: c.165C>A on transcript NM_001352514.2 (MANE Select); coding-DNA position 165, C replaced by A.
Protein change: p.Gly55=; no amino-acid change (glycine 55 retained).
Molecular consequence: synonymous variant. On other transcripts: non-coding transcript variant (1), 5 prime UTR variant (1), intron variant (5).
Genome position (GRCh38, 1-based): chr21:36,966,474, G>T on the plus strand (C>A on the coding strand, the complement: HLCS is on the minus strand). VCF-style: chr21-36966474-G-T. GRCh37 (hg19) VCF-style: chr21-38338774-G-T.
Other names: c.-1232C>A (NM_001242784.3); c.-246-4304C>A (NM_001352517.1, NM_001352515.2, NM_001352516.2); c.-392-4304C>A (NM_001242785.2, NM_000411.8).
Identifiers: ClinVar variation 2652652 (VCV002652652.24), dbSNP rs562976892, ClinGen allele CA10020816.